The following is an entry in ClinVar:

NM_001037333.3(CYFIP2):c.799A>T (p.Met267Leu)

Gene: CYFIP2 (cytoplasmic FMR1 interacting protein 2; plus strand). Cytogenetic location: 5q33.3.
Variant type: single nucleotide variant.
Coding change: c.799A>T on transcript NM_001037333.3 (MANE Select); coding-DNA position 799, A replaced by T.
Protein change: p.Met267Leu; replaces methionine 267 with leucine.
Molecular consequence: missense variant.
Genome position (GRCh38, 1-based): chr5:157,307,764, A>T. VCF-style: chr5-157307764-A-T. GRCh37 (hg19) VCF-style: chr5-156734772-A-T.
Other names: c.721A>T, p.Met241Leu (NM_001291721.2); c.799A>T, p.Met267Leu (NM_001291722.2, NM_014376.4); short protein forms M241L, M267L.
Identifiers: ClinVar variation 2725416 (VCV002725416.3), dbSNP rs1167049602, ClinGen allele CA361967422.
Genomic context (GRCh38, chr5:157,307,764, plus strand): 5'-TTAAACTTTTCCAGCAGATGTGATTAGTTTCTATGCTCTGCCCTCTTCTCATTCTAGGTG[A>T]TGGGCTTTGGCCTCTACCTAATGGATGGAAATGTCAGTAACATTTACAAACTGGATGCCA-3'
Protein context (NP_001032410.1, residues 257-277): PSEKHMLLKV[Met267Leu]GFGLYLMDGN

ClinVar aggregate classification (germline): Uncertain significance (1 of 4 stars; one submission).

gnomAD v4.1: 15 of 1,600,414 alleles (0.00094%); highest among the groups gnomAD compares: Non-Finnish European, 0.0013%; no homozygotes.

Submission:

Labcorp Genetics (formerly Invitae), Labcorp
Classification: Uncertain significance. Last evaluated: 2023-09-15. Review status: criteria provided, single submitter. Criteria: Invitae Variant Classification Sherloc (09022015). Collection method: clinical testing. Allele origin: germline.
Comment: In summary, the available evidence is currently insufficient to determine the role of this variant in disease. Therefore, it has been classified as a Variant of Uncertain Significance. Experimental studies and prediction algorithms are not available or were not evaluated, and the functional significance of this variant is currently unknown. This variant has not been reported in the literature in individuals affected with CYFIP2-related conditions. This variant is present in population databases (no rsID available, gnomAD 0.0009%). This sequence change replaces methionine, which is neutral and non-polar, with leucine, which is neutral and non-polar, at codon 267 of the CYFIP2 protein (p.Met267Leu).